The following is an entry in ClinVar:

ClinVar aggregate classification (germline): Uncertain significance (1 of 4 stars; one submission).

Conditions:
Candidiasis, familial, 9 (CANDF9). Identifiers: Orphanet 1334, MedGen C4225324, MONDO:0014642, OMIM 616445.

Submission:

Labcorp Genetics (formerly Invitae), Labcorp
Classification: Uncertain significance for Candidiasis, familial, 9. Last evaluated: 2023-08-04. Review status: criteria provided, single submitter. Criteria: Invitae Variant Classification Sherloc (09022015). Collection method: clinical testing. Allele origin: unknown.
Comment: This variant results in the deletion of exon 14 and part of exon 13 (c.1349_1492-108del) of the IL17RC gene. It is expected to disrupt RNA splicing. Variants that disrupt the donor or acceptor splice site typically lead to a loss of protein function (PMID: 16199547), however the current clinical and genetic evidence is not sufficient to establish whether loss-of-function variants in IL17RC cause disease. This variant has not been reported in the literature in individuals affected with IL17RC-related conditions. ClinVar contains an entry for this variant (Variation ID: 951575). In summary, the available evidence is currently insufficient to determine the role of this variant in disease. Therefore, it has been classified as a Variant of Uncertain Significance.

Literature cited by the submitters: PubMed 16199547.

NC_000003.11:g.(?_9971561)_(9971976_?)del

Gene: IL17RC (interleukin 17 receptor C; plus strand). Cytogenetic location: 3p25.3.
Variant type: Deletion.
Identifiers: ClinVar variation 3246941 (VCV003246941.1).